The following is an entry in ClinVar:

ClinVar aggregate classification (germline): Uncertain significance (1 of 4 stars; one submission).

Submission:

CeGaT Center for Human Genetics Tuebingen
Classification: Uncertain significance. Last evaluated: 2024-12-01. Review status: criteria provided, single submitter. Criteria: CeGaT Center For Human Genetics Tuebingen Variant Classification Criteria Version 2. Collection method: clinical testing. Allele origin: germline. Affected: yes. Observed: 1 variant allele.
Comment: KIF26B: PM2

NM_018012.4(KIF26B):c.698C>A (p.Ser233Tyr)

Gene: KIF26B (kinesin family member 26B; plus strand). Cytogenetic location: 1q44.
Variant type: single nucleotide variant.
Coding change: c.698C>A on transcript NM_018012.4 (MANE Select); coding-DNA position 698, C replaced by A.
Protein change: p.Ser233Tyr; replaces serine 233 with tyrosine.
Molecular consequence: missense variant.
Genome position (GRCh38, 1-based): chr1:245,367,066, C>A. VCF-style: chr1-245367066-C-A. GRCh37 (hg19) VCF-style: chr1-245530368-C-A.
Other names: short protein forms S233Y.
Identifiers: ClinVar variation 3772137 (VCV003772137.13).